The following is an entry in ClinVar:

ClinVar aggregate classification (germline): Uncertain significance (1 of 4 stars; one submission).

Allele frequency attached by ClinVar (database versions not stated): gnomAD 0.00003; TOPMed 0.00003; gnomAD exomes 0.00004; ExAC 0.00005.

Submission:

Labcorp Genetics (formerly Invitae), Labcorp
Classification: Uncertain significance. Last evaluated: 2022-05-19. Review status: criteria provided, single submitter. Criteria: Invitae Variant Classification Sherloc (09022015). Collection method: clinical testing. Allele origin: germline.
Comment: This sequence change replaces arginine, which is basic and polar, with cysteine, which is neutral and slightly polar, at codon 318 of the DGAT1 protein (p.Arg318Cys). This variant is present in population databases (rs782508433, gnomAD 0.02%), including at least one homozygous and/or hemizygous individual. This variant has not been reported in the literature in individuals affected with DGAT1-related conditions. Algorithms developed to predict the effect of missense changes on protein structure and function are either unavailable or do not agree on the potential impact of this missense change (SIFT: "Deleterious"; PolyPhen-2: "Probably Damaging"; Align-GVGD: "Class C15"). In summary, the available evidence is currently insufficient to determine the role of this variant in disease. Therefore, it has been classified as a Variant of Uncertain Significance.

NM_012079.6(DGAT1):c.952C>T (p.Arg318Cys)

Gene: DGAT1 (diacylglycerol O-acyltransferase 1; minus strand). Cytogenetic location: 8q24.3.
Variant type: single nucleotide variant.
Coding change: c.952C>T on transcript NM_012079.6 (MANE Select); coding-DNA position 952, C replaced by T.
Protein change: p.Arg318Cys; replaces arginine 318 with cysteine.
Molecular consequence: missense variant.
Genome position (GRCh38, 1-based): chr8:144,317,573, G>A on the plus strand (C>T on the coding strand, the complement: DGAT1 is on the minus strand). VCF-style: chr8-144317573-G-A. GRCh37 (hg19) VCF-style: chr8-145541236-G-A.
Other names: short protein forms R318C.
Identifiers: ClinVar variation 2183185 (VCV002183185.1), dbSNP rs782508433, ClinGen allele CA4936746.